The following is an entry in ClinVar:

ClinVar aggregate classification (germline): Pathogenic (1 of 4 stars; one submission).

Submission:

GeneDx
Classification: Pathogenic. Last evaluated: 2025-02-26. Review status: criteria provided, single submitter. Criteria: GeneDx Variant Classification Process June 2021. Collection method: clinical testing. Allele origin: germline. Affected: yes.
Comment: Not observed at significant frequency in large population cohorts (gnomAD); This variant is demonstrated to lead to exon skipping and result in loss of function (PMID: 23006617); This variant is associated with the following publications: (PMID: 30720842, 23006617)

NM_000163.5(GHR):c.784G>C (p.Asp262His)

Gene: GHR (growth hormone receptor; plus strand). Cytogenetic location: 5p12.
Variant type: single nucleotide variant.
Coding change: c.784G>C on transcript NM_000163.5 (MANE Select); coding-DNA position 784, G replaced by C.
Protein change: p.Asp262His; replaces aspartic acid 262 with histidine.
Molecular consequence: missense variant.
Genome position (GRCh38, 1-based): chr5:42,711,372, G>C. VCF-style: chr5-42711372-G-C. GRCh37 (hg19) VCF-style: chr5-42711474-G-C.
Other names: c.784G>C, p.Asp262His (NM_001242405.2, NM_001242406.2, NM_001242462.1 and 5 more transcripts); c.718G>C, p.Asp240His (NM_001242460.2); c.805G>C, p.Asp269His (NM_001242399.2); short protein forms D240H, D262H, D269H.
Identifiers: ClinVar variation 4077372 (VCV004077372.1).
Genomic context (GRCh38, chr5:42,711,372, plus strand): 5'-GAGTTCAGTGAGGTGCTCTATGTAACACTTCCTCAGATGAGCCAATTTACATGTGAAGAA[G>C]GTAAAAGAAATAAAAGATTAAAATAGTAGCTAACCTGGCTTTTGTCAATATAACAGTTGA-3'
Protein context (NP_000154.1, residues 252-272): PQMSQFTCEE[Asp262His]FYFPWLLIII